The following is an entry in ClinVar:

NM_004304.5(ALK):c.3628G>A (p.Glu1210Lys)

Gene: ALK (ALK receptor tyrosine kinase; minus strand). Cytogenetic location: 2p23.2.
Variant type: single nucleotide variant.
Coding change: c.3628G>A on transcript NM_004304.5 (MANE Select); coding-DNA position 3628, G replaced by A.
Protein change: p.Glu1210Lys; replaces glutamic acid 1210 with lysine.
Molecular consequence: missense variant.
Genome position (GRCh38, 1-based): chr2:29,220,723, C>T on the plus strand (G>A on the coding strand, the complement: ALK is on the minus strand). VCF-style: chr2-29220723-C-T. GRCh37 (hg19) VCF-style: chr2-29443589-C-T.
Other names: c.424G>A, p.Glu142Lys (NM_001353765.2); short protein forms E1210K, E142K.
Identifiers: ClinVar variation 824007 (VCV000824007.5), dbSNP rs1573120111, ClinGen allele CA346472980.

ClinVar aggregate classification (germline): Uncertain significance (1 of 4 stars; one submission).

Conditions:
Hereditary cancer-predisposing syndrome. Also called: Neoplastic Syndromes, Hereditary; Tumor predisposition; Hereditary neoplastic syndrome; Hereditary Cancer Syndrome. Identifiers: Orphanet 140162, MedGen C0027672, MeSH D009386, MONDO:0015356.

Allele frequency attached by ClinVar (database versions not stated): gnomAD exomes below 0.00001.
gnomAD v4.1: 1 of 1,613,826 alleles (0.000062%); highest among the groups gnomAD compares: Non-Finnish European, 0.000085%; no homozygotes.

Submission:

Ambry Genetics
Classification: Uncertain significance for Hereditary cancer-predisposing syndrome. Last evaluated: 2025-06-26. Review status: criteria provided, single submitter. Criteria: Ambry Variant Classification Scheme 2023. Collection method: clinical testing. Allele origin: germline.
Comment: The p.E1210K variant (also known as c.3628G>A), located in coding exon 23 of the ALK gene, results from a G to A substitution at nucleotide position 3628. The glutamic acid at codon 1210 is replaced by lysine, an amino acid with similar properties. This amino acid position is highly conserved in available vertebrate species. In addition, the in silico prediction for this alteration is inconclusive. Based on the available evidence, the clinical significance of this variant remains unclear.